The following is an entry in ClinVar:

ClinVar aggregate classification (germline): Pathogenic (1 of 4 stars; one submission).

Allele frequency attached by ClinVar (database versions not stated): TOPMed below 0.00001.

Submission:

Labcorp Genetics (formerly Invitae), Labcorp
Classification: Pathogenic. Last evaluated: 2022-04-11. Review status: criteria provided, single submitter. Criteria: Invitae Variant Classification Sherloc (09022015). Collection method: clinical testing. Allele origin: germline.
Comment: For these reasons, this variant has been classified as Pathogenic. This variant has not been reported in the literature in individuals affected with ERCC3-related conditions. This variant is not present in population databases (gnomAD no frequency). This sequence change creates a premature translational stop signal (p.Ile194Tyrfs*10) in the ERCC3 gene. It is expected to result in an absent or disrupted protein product. Loss-of-function variants in ERCC3 are known to be pathogenic (PMID: 16947863).

Literature cited by the submitters: PubMed 16947863.

NM_000122.2(ERCC3):c.579_580insT (p.Ile194fs)

Gene: ERCC3 (ERCC excision repair 3, TFIIH core complex helicase subunit; minus strand). Cytogenetic location: 2q14.3.
Variant type: Insertion.
Coding change: c.579_580insT on transcript NM_000122.2 (MANE Select); coding-DNA positions 579 to 580, T inserted.
Protein change: p.Ile194fs; shifts the reading frame from isoleucine 194.
Molecular consequence: frameshift variant.
Genome position: GRCh38 VCF-style: chr2-127289766-T-TA. GRCh37 (hg19) VCF-style: chr2-128047342-T-TA.
Other names: c.387_388insT, p.Ile130fs (NM_001303416.2, NM_001303418.2); short protein forms I130fs, I194fs.
Identifiers: ClinVar variation 1973296 (VCV001973296.5), dbSNP rs1685202380, ClinGen allele CA1286821399.